The following is an entry in ClinVar:

NM_005458.8(GABBR2):c.2195G>T (p.Ser732Ile)

Gene: GABBR2 (gamma-aminobutyric acid type B receptor subunit 2; minus strand). Cytogenetic location: 9q22.33.
Variant type: single nucleotide variant.
Coding change: c.2195G>T on transcript NM_005458.8 (MANE Select); coding-DNA position 2195, G replaced by T.
Protein change: p.Ser732Ile; replaces serine 732 with isoleucine.
Molecular consequence: missense variant.
Genome position (GRCh38, 1-based): chr9:98,306,155, C>A on the plus strand (G>T on the coding strand, the complement: GABBR2 is on the minus strand). VCF-style: chr9-98306155-C-A. GRCh37 (hg19) VCF-style: chr9-101068437-C-A.
Other names: short protein forms S732I.
Identifiers: ClinVar variation 1709059 (VCV001709059.2), dbSNP rs2491207268, ClinGen allele CA374198695.

ClinVar aggregate classification (germline): Uncertain significance (1 of 4 stars; one submission).

Conditions:
Developmental and epileptic encephalopathy, 59. Also called: Early infantile epileptic encephalopathy 59. Identifiers: MedGen C4693550, MONDO:0033368, OMIM 617904.

Submission:

MGZ Medical Genetics Center
Classification: Uncertain significance for Developmental and epileptic encephalopathy, 59. Last evaluated: 2022-03-10. Review status: criteria provided, single submitter. Criteria: ACMG Guidelines, 2015. Collection method: clinical testing. Allele origin: germline. Affected: yes. Observed: 2 variant alleles.
Comment: ACMG criteria applied: PM2_SUP, PP2, PP3